The following is an entry in ClinVar:

NM_005334.3(HCFC1):c.5173G>A (p.Asp1725Asn)

Gene: HCFC1 (host cell factor C1; minus strand). Cytogenetic location: Xq28.
Variant type: single nucleotide variant.
Coding change: c.5173G>A on transcript NM_005334.3 (MANE Select); coding-DNA position 5173, G replaced by A.
Protein change: p.Asp1725Asn; replaces aspartic acid 1725 with asparagine.
Molecular consequence: missense variant.
Genome position (GRCh38, 1-based): chrX:153,951,928, C>T on the plus strand (G>A on the coding strand, the complement: HCFC1 is on the minus strand). VCF-style: chrX-153951928-C-T. GRCh37 (hg19) VCF-style: chrX-153217379-C-T.
Other names: short protein forms D1725N.
Identifiers: ClinVar variation 1331123 (VCV001331123.2), dbSNP rs782352023, ClinGen allele CA10556855.

ClinVar aggregate classification (germline): Uncertain significance (1 of 4 stars; one submission).

Allele frequency attached by ClinVar (database versions not stated): gnomAD 0.00001; TOPMed 0.00001; ExAC 0.00002.

Submission:

GeneDx
Classification: Uncertain significance. Last evaluated: 2021-06-29. Review status: criteria provided, single submitter. Criteria: GeneDx Variant Classification Process June 2021. Collection method: clinical testing. Allele origin: germline. Affected: yes.
Comment: Not observed at significant frequency in large population cohorts (Lek et al., 2016); In silico analysis supports that this missense variant does not alter protein structure/function; Has not been previously published as pathogenic or benign to our knowledge; This variant is associated with the following publications: (PMID: 27535533)